The following is an entry in ClinVar:

ClinVar aggregate classification (germline): Uncertain significance. Review status: criteria provided, multiple submitters, no conflicts (2 of 4 stars). 4 submissions from 4 submitters: Uncertain significance (4). Last evaluated 2026-01-31.

Conditions:
Cardiovascular phenotype. Identifiers: MedGen CN230736.

Allele frequency attached by ClinVar (database versions not stated): gnomAD exomes 0.00004 and 0.00016; ExAC 0.00006; gnomAD 0.00011 and 0.00013; TOPMed 0.00011; ESP Exome Variant Server 0.00015.
gnomAD v4.1: 275 of 1,613,980 alleles (0.017%); highest among the groups gnomAD compares: Non-Finnish European, 0.021%; no homozygotes.

Submissions (4):

Labcorp Genetics (formerly Invitae), Labcorp
Classification: Uncertain significance. Last evaluated: 2026-01-31. Review status: criteria provided, single submitter. Criteria: Invitae Variant Classification Sherloc (09022015). Collection method: clinical testing. Allele origin: germline.
Comment: This sequence change replaces isoleucine, which is neutral and non-polar, with leucine, which is neutral and non-polar, at codon 548 of the ALPK3 protein (p.Ile548Leu). This variant is present in population databases (rs201336763, gnomAD 0.01%). This variant has not been reported in the literature in individuals affected with ALPK3-related conditions. ClinVar contains an entry for this variant (Variation ID: 1428434). An algorithm developed to predict the effect of missense changes on protein structure and function (PolyPhen-2) suggests that this variant is likely to be tolerated. In summary, the available evidence is currently insufficient to determine the role of this variant in disease. Therefore, it has been classified as a Variant of Uncertain Significance.

CeGaT Center for Human Genetics Tuebingen
Classification: Uncertain significance. Last evaluated: 2025-11-01. Review status: criteria provided, single submitter. Criteria: CeGaT Center For Human Genetics Tuebingen Variant Classification Criteria Version 2. Collection method: clinical testing. Allele origin: germline. Affected: yes. Observed: 1 variant allele.
Comment: ALPK3: PM2, BP4

Ambry Genetics
Classification: Uncertain significance for Cardiovascular phenotype. Last evaluated: 2025-07-28. Review status: criteria provided, single submitter. Criteria: Ambry Variant Classification Scheme 2023. Collection method: clinical testing. Allele origin: germline.
Comment: The p.I548L variant (also known as c.1642A>C), located in coding exon 5 of the ALPK3 gene, results from an A to C substitution at nucleotide position 1642. The isoleucine at codon 548 is replaced by leucine, an amino acid with highly similar properties. This amino acid position is poorly conserved in available vertebrate species. In addition, this alteration is predicted to be tolerated by in silico analysis. Since supporting evidence is limited at this time, the clinical significance of this alteration remains unclear.

GeneDx
Classification: Uncertain significance. Last evaluated: 2024-06-12. Review status: criteria provided, single submitter. Criteria: GeneDx Variant Classification Process June 2021. Collection method: clinical testing. Allele origin: germline.
Comment: In silico analysis supports that this missense variant does not alter protein structure/function; Has not been previously published as pathogenic or benign to our knowledge

NM_020778.5(ALPK3):c.1036A>C (p.Ile346Leu)

Gene: ALPK3 (alpha kinase 3; plus strand). Cytogenetic location: 15q25.3.
Variant type: single nucleotide variant.
Coding change: c.1036A>C on transcript NM_020778.5 (MANE Select); coding-DNA position 1036, A replaced by C.
Protein change: p.Ile346Leu; replaces isoleucine 346 with leucine.
Molecular consequence: missense variant.
Genome position (GRCh38, 1-based): chr15:84,840,315, A>C. VCF-style: chr15-84840315-A-C. GRCh37 (hg19) VCF-style: chr15-85383546-A-C.
Other names: short protein forms I346L.
Identifiers: ClinVar variation 1428434 (VCV001428434.17), dbSNP rs201336763, ClinGen allele CA7709110.